The following is an entry in ClinVar:

ClinVar aggregate classification (germline): Likely benign. Review status: criteria provided, multiple submitters, no conflicts (2 of 4 stars). 4 submissions from 4 submitters: Likely benign (4). Last evaluated 2026-08-01.

Allele frequency attached by ClinVar (database versions not stated): gnomAD exomes 0.00014 and 0.00037; ExAC 0.00024; gnomAD 0.00042 and 0.00043; TOPMed 0.00058.
gnomAD v4.1: 275 of 1,614,186 alleles (0.017%); highest among the groups gnomAD compares: Admixed American, 0.26%; no homozygotes.

Submissions (4):

CeGaT Center for Human Genetics Tuebingen
Classification: Likely benign. Last evaluated: 2026-08-01. Review status: criteria provided, single submitter. Criteria: CeGaT Center For Human Genetics Tuebingen Variant Classification Criteria Version 2. Collection method: clinical testing. Allele origin: germline. Affected: yes. Observed: 6 variant alleles.
Comment: PRSS12: BP4, BP7

Labcorp Genetics (formerly Invitae), Labcorp
Classification: Likely benign. Last evaluated: 2018-06-02. Review status: criteria provided, single submitter. Criteria: Invitae Variant Classification Sherloc (09022015). Collection method: clinical testing. Allele origin: germline.

Genetic Services Laboratory, University of Chicago
Classification: Likely benign. Last evaluated: 2015-08-18. Review status: criteria provided, single submitter. Criteria: ACMG Guidelines, 2015. Collection method: clinical testing. Allele origin: germline. Affected: no.

Breakthrough Genomics
Classification: Likely benign. Review status: criteria provided, single submitter. Criteria: ACMG Guidelines, 2015. Collection method: not provided. Allele origin: germline. Inheritance: Autosomal recessive inheritance. Affected: yes.

NM_003619.4(PRSS12):c.2376G>A (p.Arg792=)

Gene: PRSS12 (serine protease 12; minus strand). Cytogenetic location: 4q26.
Variant type: single nucleotide variant.
Coding change: c.2376G>A on transcript NM_003619.4 (MANE Select); coding-DNA position 2376, G replaced by A.
Protein change: p.Arg792=; no amino-acid change (arginine 792 retained).
Molecular consequence: synonymous variant.
Genome position (GRCh38, 1-based): chr4:118,282,188, C>T on the plus strand (G>A on the coding strand, the complement: PRSS12 is on the minus strand). VCF-style: chr4-118282188-C-T. GRCh37 (hg19) VCF-style: chr4-119203343-C-T.
Identifiers: ClinVar variation 436424 (VCV000436424.18), dbSNP rs199574216, ClinGen allele CA3055379.